The following is an entry in ClinVar:

NM_152564.5(VPS13B):c.11723C>G (p.Pro3908Arg)

Gene: VPS13B (vacuolar protein sorting 13 homolog B; plus strand). Cytogenetic location: 8q22.2.
Variant type: single nucleotide variant.
Coding change: c.11723C>G on transcript NM_152564.5 (MANE Select); coding-DNA position 11723, C replaced by G.
Protein change: p.Pro3908Arg; replaces proline 3908 with arginine.
Molecular consequence: missense variant.
Genome position (GRCh38, 1-based): chr8:99,871,675, C>G. VCF-style: chr8-99871675-C-G. GRCh37 (hg19) VCF-style: chr8-100883903-C-G.
Other names: c.11723C>G (NM_152564.4); c.11798C>G, p.Pro3933Arg (NM_017890.5); short protein forms P3933R, P3908R.
Identifiers: ClinVar variation 1428464 (VCV001428464.4), dbSNP rs750156428, ClinGen allele CA4825309.

ClinVar aggregate classification (germline): Uncertain significance. Review status: criteria provided, multiple submitters, no conflicts (2 of 4 stars). 2 submissions from 2 submitters: Uncertain significance (2). Last evaluated 2025-08-12.

Conditions:
Cohen syndrome (COH1). Also called: PEPPER SYNDROME; Cutis verticis gyrata, retinitis pigmentosa, and sensorineural deafness. Identifiers: Orphanet 193, MedGen C0265223, MONDO:0008999, OMIM 216550.
VPS13B-related disorder. Also called: VPS13B-related condition.

Allele frequency attached by ClinVar (database versions not stated): gnomAD exomes below 0.00001; ExAC 0.00001.
gnomAD v4.1: 1 of 1,613,934 alleles (0.000062%); highest among the groups gnomAD compares: Admixed American, 0.0017%; no homozygotes.

Submissions (2):

PreventionGenetics, part of Exact Sciences
Classification: Uncertain significance for VPS13B-related condition. Last evaluated: 2025-08-12. Review status: criteria provided, single submitter. Criteria: ACMG Guidelines, 2015. Collection method: clinical testing. Allele origin: germline.
Comment: The VPS13B c.11723C>G variant is predicted to result in the amino acid substitution p.Pro3908Arg. To our knowledge, this variant has not been reported in the literature. This variant is reported in 0.0029% of alleles in individuals of Latino descent in gnomAD. At this time, the clinical significance of this variant is uncertain due to the absence of conclusive functional and genetic evidence.

Labcorp Genetics (formerly Invitae), Labcorp
Classification: Uncertain significance for Cohen syndrome. Last evaluated: 2022-04-08. Review status: criteria provided, single submitter. Criteria: Invitae Variant Classification Sherloc (09022015). Collection method: clinical testing. Allele origin: germline.
Comment: This sequence change replaces proline, which is neutral and non-polar, with arginine, which is basic and polar, at codon 3933 of the VPS13B protein (p.Pro3933Arg). This variant is present in population databases (rs750156428, gnomAD 0.003%). This variant has not been reported in the literature in individuals affected with VPS13B-related conditions. Algorithms developed to predict the effect of missense changes on protein structure and function are either unavailable or do not agree on the potential impact of this missense change (SIFT: "Not Available"; PolyPhen-2: "Possibly Damaging"; Align-GVGD: "Not Available"). In summary, the available evidence is currently insufficient to determine the role of this variant in disease. Therefore, it has been classified as a Variant of Uncertain Significance.